The following is an entry in ClinVar:

ClinVar aggregate classification (germline): Uncertain significance. Review status: criteria provided, multiple submitters, no conflicts (2 of 4 stars). 2 submissions from 2 submitters: Uncertain significance (2). Last evaluated 2022-01-16.

Conditions:
Netherton syndrome (NETH). Also called: NETHERTON DISEASE; ERYTHRODERMA, ICHTHYOSIFORM, WITH HYPOTRICHOSIS AND HYPER-IgE; COMEL-NETHERTON SYNDROME. Identifiers: Orphanet 634, MedGen C5574950, MONDO:0009735, OMIM 256500.

Allele frequency attached by ClinVar (database versions not stated): gnomAD below 0.00001 and 0.00001; ExAC 0.00002; TOPMed 0.00002.
gnomAD v4.1: 36 of 1,613,546 alleles (0.0022%); highest among the groups gnomAD compares: African/African-American, 0.008%; no homozygotes.

Submissions (2):

Labcorp Genetics (formerly Invitae), Labcorp
Classification: Uncertain significance for Ichthyosis linearis circumflexa. Last evaluated: 2022-01-16. Review status: criteria provided, single submitter. Criteria: Invitae Variant Classification Sherloc (09022015). Collection method: clinical testing. Allele origin: germline.
Comment: This sequence change falls in intron 27 of the SPINK5 gene. It does not directly change the encoded amino acid sequence of the SPINK5 protein. It affects a nucleotide within the consensus splice site. This variant is present in population databases (rs376671081, gnomAD 0.005%). This variant has not been reported in the literature in individuals affected with SPINK5-related conditions. ClinVar contains an entry for this variant (Variation ID: 351534). Variants that disrupt the consensus splice site are a relatively common cause of aberrant splicing (PMID: 17576681, 9536098). Algorithms developed to predict the effect of sequence changes on RNA splicing suggest that this variant may disrupt the consensus splice site. In summary, the available evidence is currently insufficient to determine the role of this variant in disease. Therefore, it has been classified as a Variant of Uncertain Significance.

Illumina Laboratory Services, Illumina
Classification: Uncertain significance for Netherton syndrome. Last evaluated: 2018-01-13. Review status: criteria provided, single submitter. Criteria: ICSL Variant Classification Criteria 13 December 2019. Collection method: clinical testing. Allele origin: germline.

Literature cited by the submitters: PubMed 17576681 (cited by Labcorp Genetics (formerly Invitae), Labcorp); PubMed 9536098 (cited by Labcorp Genetics (formerly Invitae), Labcorp).

NM_006846.4(SPINK5):c.2666+4C>T

Gene: SPINK5 (serine peptidase inhibitor Kazal type 5; plus strand). Cytogenetic location: 5q32.
Variant type: single nucleotide variant.
Coding change: c.2666+4C>T on transcript NM_006846.4 (MANE Select); 4 bases into the intron after coding-DNA position 2666, C replaced by T.
Molecular consequence: intron variant.
Genome position (GRCh38, 1-based): chr5:148,123,964, C>T. VCF-style: chr5-148123964-C-T. GRCh37 (hg19) VCF-style: chr5-147503527-C-T.
Other names: c.2666+4C>T (NM_001127698.2, NM_001127699.2).
Identifiers: ClinVar variation 351534 (VCV000351534.6), dbSNP rs376671081, ClinGen allele CA3496052.
Genomic context (GRCh38, chr5:148,123,964, plus strand): 5'-TCGAGGCCCATATGGCAAGATGCACATCAATAAATGTGCTATGTGTCAGAGCATCTTGTA[C>T]GTAAAAAGGTTTATCAATAAATTTGATAGTTGTGCCTGTTTGCTAGAAATTAGTTTTTGT-3'